The following is an entry in ClinVar:

ClinVar aggregate classification (germline): Uncertain significance (1 of 4 stars; one submission).

Conditions:
Combined immunodeficiency due to DOCK8 deficiency (HIES2). Also called: HIES autosomal recessive; Hyper-IgE recurrent infection syndrome, autosomal recessive; DOCK8 Deficiency; HYPER-IgE RECURRENT INFECTION SYNDROME 2, AUTOSOMAL RECESSIVE; HYPER-IgE SYNDROME 2, AUTOSOMAL RECESSIVE, WITH RECURRENT INFECTIONS. Identifiers: Orphanet 217390, MedGen C4722305, MONDO:0009478, OMIM 243700.

Allele frequency attached by ClinVar (database versions not stated): gnomAD exomes below 0.00001.
gnomAD v4.1: 2 of 1,614,166 alleles (0.00012%); highest among the groups gnomAD compares: Non-Finnish European, 0.00017%; no homozygotes.

Submission:

Labcorp Genetics (formerly Invitae), Labcorp
Classification: Uncertain significance for Combined immunodeficiency due to DOCK8 deficiency. Last evaluated: 2021-12-13. Review status: criteria provided, single submitter. Criteria: Invitae Variant Classification Sherloc (09022015). Collection method: clinical testing. Allele origin: germline.
Comment: This sequence change replaces alanine, which is neutral and non-polar, with proline, which is neutral and non-polar, at codon 579 of the DOCK8 protein (p.Ala579Pro). This variant is present in population databases (no rsID available, gnomAD 0.0009%). This variant has not been reported in the literature in individuals affected with DOCK8-related conditions. Algorithms developed to predict the effect of missense changes on protein structure and function (SIFT, PolyPhen-2, Align-GVGD) all suggest that this variant is likely to be disruptive. In summary, the available evidence is currently insufficient to determine the role of this variant in disease. Therefore, it has been classified as a Variant of Uncertain Significance.

NM_203447.4(DOCK8):c.1735G>C (p.Ala579Pro)

Gene: DOCK8 (dedicator of cytokinesis 8; plus strand). Cytogenetic location: 9p24.3.
Variant type: single nucleotide variant.
Coding change: c.1735G>C on transcript NM_203447.4 (MANE Select); coding-DNA position 1735, G replaced by C.
Protein change: p.Ala579Pro; replaces alanine 579 with proline.
Molecular consequence: missense variant.
Genome position (GRCh38, 1-based): chr9:368,073, G>C. VCF-style: chr9-368073-G-C. GRCh37 (hg19) VCF-style: chr9-368073-G-C.
Other names: c.1531G>C, p.Ala511Pro (NM_001190458.2, NM_001193536.2); short protein forms A511P, A579P.
Identifiers: ClinVar variation 1358252 (VCV001358252.6), dbSNP rs955873472, ClinGen allele CA187804644.